The following is an entry in ClinVar:

ClinVar aggregate classification (germline): Uncertain significance (1 of 4 stars; one submission).

Conditions:
RNF213-related disorder. Also called: RNF213-related condition.

Allele frequency attached by ClinVar (database versions not stated): gnomAD exomes below 0.00001.
gnomAD v4.1: 1 of 1,614,156 alleles (0.000062%); highest among the groups gnomAD compares: Non-Finnish European, 0.000085%; no homozygotes.

Submission:

PreventionGenetics, part of Exact Sciences
Classification: Uncertain significance for RNF213-related condition. Last evaluated: 2023-08-17. Review status: criteria provided, single submitter. Criteria: ACMG Guidelines, 2015. Collection method: clinical testing. Allele origin: germline.
Comment: The RNF213 c.14806A>G variant is predicted to result in the amino acid substitution p.Asn4936Asp. To our knowledge, this variant has not been reported in the literature. This variant is reported in 0.00088% of alleles in individuals of European (Non-Finnish) descent in gnomAD. At this time, the clinical significance of this variant is uncertain due to the absence of conclusive functional and genetic evidence.

NM_001256071.3(RNF213):c.14806A>G (p.Asn4936Asp)

Genes: RNF213 (ring finger protein 213; plus strand), RNF213-AS1 (RNF213 antisense RNA 1; minus strand). Cytogenetic location: 17q25.3.
Variant type: single nucleotide variant.
Coding change: c.14806A>G on transcript NM_001256071.3 (MANE Select); coding-DNA position 14806, A replaced by G.
Protein change: p.Asn4936Asp; replaces asparagine 4936 with aspartic acid.
Molecular consequence: missense variant.
Genome position (GRCh38, 1-based): chr17:80,386,775, A>G. VCF-style: chr17-80386775-A-G. GRCh37 (hg19) VCF-style: chr17-78360575-A-G.
Other names: c.14953A>G, p.Asn4985Asp (NM_001410195.1, NM_020914.5); short protein forms N4936D, N4985D.
Identifiers: ClinVar variation 2631701 (VCV002631701.1), dbSNP rs1333760921, ClinGen allele CA401382365.